The following is an entry in ClinVar:

ClinVar aggregate classification (germline): Uncertain significance. Review status: criteria provided, multiple submitters, no conflicts (2 of 4 stars). 2 submissions from 2 submitters: Uncertain significance (2). Last evaluated 2025-03-17.

Allele frequency attached by ClinVar (database versions not stated): ExAC 0.00001; TOPMed 0.00001.
gnomAD v4.1: 8 of 1,613,482 alleles (0.0005%); highest among the groups gnomAD compares: Non-Finnish European, 0.00059%; no homozygotes.

Submissions (2):

Labcorp Genetics (formerly Invitae), Labcorp
Classification: Uncertain significance. Last evaluated: 2025-03-17. Review status: criteria provided, single submitter. Criteria: Invitae Variant Classification Sherloc (09022015). Collection method: clinical testing. Allele origin: germline.
Comment: This sequence change replaces aspartic acid, which is acidic and polar, with alanine, which is neutral and non-polar, at codon 796 of the CACNA2D4 protein (p.Asp796Ala). This variant is present in population databases (rs765725070, gnomAD 0.0009%). This variant has not been reported in the literature in individuals affected with CACNA2D4-related conditions. ClinVar contains an entry for this variant (Variation ID: 1932856). An algorithm developed to predict the effect of missense changes on protein structure and function (PolyPhen-2) suggests that this variant is likely to be disruptive. In summary, the available evidence is currently insufficient to determine the role of this variant in disease. Therefore, it has been classified as a Variant of Uncertain Significance.

Blueprint Genetics
Classification: Uncertain significance. Last evaluated: 2021-07-05. Review status: criteria provided, single submitter. Criteria: ACMG Guidelines, 2015. Collection method: clinical testing. Allele origin: germline.

NM_172364.5(CACNA2D4):c.2387A>C (p.Asp796Ala)

Gene: CACNA2D4 (calcium voltage-gated channel auxiliary subunit alpha2delta 4; minus strand). Cytogenetic location: 12p13.33.
Variant type: single nucleotide variant.
Coding change: c.2387A>C on transcript NM_172364.5 (MANE Select); coding-DNA position 2387, A replaced by C.
Protein change: p.Asp796Ala; replaces aspartic acid 796 with alanine.
Molecular consequence: missense variant.
Genome position (GRCh38, 1-based): chr12:1,844,485, T>G on the plus strand (A>C on the coding strand, the complement: CACNA2D4 is on the minus strand). VCF-style: chr12-1844485-T-G. GRCh37 (hg19) VCF-style: chr12-1953651-T-G.
Other names: short protein forms D796A.
Identifiers: ClinVar variation 1932856 (VCV001932856.6), dbSNP rs765725070, ClinGen allele CA6386716.